The following is an entry in ClinVar:

ClinVar aggregate classification (germline): Uncertain significance. Review status: criteria provided, multiple submitters, no conflicts (2 of 4 stars). 4 submissions from 4 submitters: Uncertain significance (4). Last evaluated 2025-08-11.

Conditions:
Inborn genetic diseases. Identifiers: MedGen C0950123, MeSH D030342.

Allele frequency attached by ClinVar (database versions not stated): TOPMed below 0.00001.

Submissions (4):

Women's Health and Genetics/Laboratory Corporation of America, LabCorp
Classification: Uncertain significance. Last evaluated: 2025-08-11. Review status: criteria provided, single submitter. Criteria: LabCorp Variant Classification Summary - May 2015. Collection method: clinical testing. Allele origin: germline.
Comment: Variant summary: COL11A1 c.4956C>A (p.Asp1652Glu) results in a conservative amino acid change located in the Fibrillar collagen, C-terminal (IPR000885) of the encoded protein sequence. Algorithms developed to predict the effect of missense changes on protein structure and function are either unavailable or do not agree on the potential impact of this missense change. The variant was absent in 251144 control chromosomes. The available data on variant occurrences in the general population are insufficient to allow any conclusion about variant significance. To our knowledge, no occurrence of c.4956C>A in individuals affected with Stickler Syndrome and no experimental evidence demonstrating its impact on protein function have been reported. ClinVar contains an entry for this variant (Variation ID: 2785047). Based on the evidence outlined above, the variant was classified as uncertain significance.

Labcorp Genetics (formerly Invitae), Labcorp
Classification: Uncertain significance. Last evaluated: 2025-02-10. Review status: criteria provided, single submitter. Criteria: Invitae Variant Classification Sherloc (09022015). Collection method: clinical testing. Allele origin: germline.
Comment: This sequence change replaces aspartic acid, which is acidic and polar, with glutamic acid, which is acidic and polar, at codon 1652 of the COL11A1 protein (p.Asp1652Glu). This variant is not present in population databases (gnomAD no frequency). This variant has not been reported in the literature in individuals affected with COL11A1-related conditions. ClinVar contains an entry for this variant (Variation ID: 2785047). Invitae Evidence Modeling of protein sequence and biophysical properties (such as structural, functional, and spatial information, amino acid conservation, physicochemical variation, residue mobility, and thermodynamic stability) indicates that this missense variant is not expected to disrupt COL11A1 protein function with a negative predictive value of 80%. In summary, the available evidence is currently insufficient to determine the role of this variant in disease. Therefore, it has been classified as a Variant of Uncertain Significance.

Ambry Genetics
Classification: Uncertain significance for Inborn genetic diseases. Last evaluated: 2025-01-01. Review status: criteria provided, single submitter. Criteria: Ambry Variant Classification Scheme 2023. Collection method: clinical testing. Allele origin: germline.

GeneDx
Classification: Uncertain significance. Last evaluated: 2024-11-11. Review status: criteria provided, single submitter. Criteria: GeneDx Variant Classification Process June 2021. Collection method: clinical testing. Allele origin: germline. Affected: yes.
Comment: Not observed at significant frequency in large population cohorts (gnomAD); Not located in the triple helical region, where the majority of pathogenic missense variants occur (HGMD; PMID: 25240749); In silico analysis indicates that this missense variant does not alter protein structure/function; Has not been previously published as pathogenic or benign to our knowledge; This variant is associated with the following publications: (PMID: 25240749)

NM_001854.4(COL11A1):c.4956C>A (p.Asp1652Glu)

Gene: COL11A1 (collagen type XI alpha 1 chain; minus strand). Cytogenetic location: 1p21.1.
Variant type: single nucleotide variant.
Coding change: c.4956C>A on transcript NM_001854.4 (MANE Select); coding-DNA position 4956, C replaced by A.
Protein change: p.Asp1652Glu; replaces aspartic acid 1652 with glutamic acid.
Molecular consequence: missense variant. On other transcripts: non-coding transcript variant (1).
Genome position (GRCh38, 1-based): chr1:102,883,214, G>T on the plus strand (C>A on the coding strand, the complement: COL11A1 is on the minus strand). VCF-style: chr1-102883214-G-T. GRCh37 (hg19) VCF-style: chr1-103348770-G-T.
Other names: c.4608C>A, p.Asp1536Glu (NM_001168249.1, NM_080630.4); c.4839C>A, p.Asp1613Glu (NM_001190709.2); c.4992C>A, p.Asp1664Glu (NM_080629.3); c.4956C>A (NM_001854.3); short protein forms D1536E, D1652E, D1664E, D1613E.
Identifiers: ClinVar variation 2785047 (VCV002785047.7), dbSNP rs1479781997, ClinGen allele CA341211464.